The following is an entry in ClinVar:

ClinVar aggregate classification (germline): Uncertain significance (1 of 4 stars; one submission).

Conditions:
Chédiak-Higashi syndrome (CHS). Also called: Chediak-Higashi Syndrome. Identifiers: Orphanet 167, MedGen C0007965, MONDO:0008963, OMIM 214500.

Submission:

Labcorp Genetics (formerly Invitae), Labcorp
Classification: Uncertain significance for Chédiak-Higashi syndrome. Last evaluated: 2025-06-05. Review status: criteria provided, single submitter. Criteria: Invitae Variant Classification Sherloc (09022015). Collection method: clinical testing. Allele origin: germline.
Comment: This sequence change replaces proline, which is neutral and non-polar, with threonine, which is neutral and polar, at codon 215 of the LYST protein (p.Pro215Thr). This variant is not present in population databases (gnomAD no frequency). This variant has not been reported in the literature in individuals affected with LYST-related conditions. Invitae Evidence Modeling of protein sequence and biophysical properties (such as structural, functional, and spatial information, amino acid conservation, physicochemical variation, residue mobility, and thermodynamic stability) indicates that this missense variant is not expected to disrupt LYST protein function with a negative predictive value of 80%. In summary, the available evidence is currently insufficient to determine the role of this variant in disease. Therefore, it has been classified as a Variant of Uncertain Significance.

NM_000081.4(LYST):c.643C>A (p.Pro215Thr)

Gene: LYST (lysosomal trafficking regulator; minus strand). Cytogenetic location: 1q42.3.
Variant type: single nucleotide variant.
Coding change: c.643C>A on transcript NM_000081.4 (MANE Select); coding-DNA position 643, C replaced by A.
Protein change: p.Pro215Thr; replaces proline 215 with threonine.
Molecular consequence: missense variant.
Genome position (GRCh38, 1-based): chr1:235,810,175, G>T on the plus strand (C>A on the coding strand, the complement: LYST is on the minus strand). VCF-style: chr1-235810175-G-T. GRCh37 (hg19) VCF-style: chr1-235973475-G-T.
Other names: c.643C>A, p.Pro215Thr (NM_001301365.1); short protein forms P215T.
Identifiers: ClinVar variation 4746558 (VCV004746558.1).